The following is an entry in ClinVar:

NM_006019.4(TCIRG1):c.1702C>G (p.Leu568Val)

Gene: TCIRG1 (T cell immune regulator 1, ATPase H+ transporting V0 subunit a3; plus strand). Cytogenetic location: 11q13.2.
Variant type: single nucleotide variant.
Coding change: c.1702C>G on transcript NM_006019.4 (MANE Select); coding-DNA position 1702, C replaced by G.
Protein change: p.Leu568Val; replaces leucine 568 with valine.
Molecular consequence: missense variant.
Genome position (GRCh38, 1-based): chr11:68,049,109, C>G. VCF-style: chr11-68049109-C-G. GRCh37 (hg19) VCF-style: chr11-67816576-C-G.
Other names: c.808C>G, p.Leu270Val (NM_001351059.2); c.1054C>G, p.Leu352Val (NM_006053.4); short protein forms L352V, L270V, L568V.
Identifiers: ClinVar variation 1416708 (VCV001416708.5), dbSNP rs1425184184, ClinGen allele CA381586113.

ClinVar aggregate classification (germline): Uncertain significance (1 of 4 stars; one submission).

Allele frequency attached by ClinVar (database versions not stated): gnomAD exomes below 0.00001; gnomAD 0.00001; TOPMed 0.00003.
gnomAD v4.1: 3 of 1,613,578 alleles (0.00019%); highest among the groups gnomAD compares: African/African-American, 0.004%; no homozygotes.

Submission:

Labcorp Genetics (formerly Invitae), Labcorp
Classification: Uncertain significance. Last evaluated: 2021-08-27. Review status: criteria provided, single submitter. Criteria: Invitae Variant Classification Sherloc (09022015). Collection method: clinical testing. Allele origin: germline.
Comment: This sequence change replaces leucine with valine at codon 568 of the TCIRG1 protein (p.Leu568Val). The leucine residue is moderately conserved and there is a small physicochemical difference between leucine and valine. This variant is not present in population databases (ExAC no frequency). This variant has not been reported in the literature in individuals affected with TCIRG1-related conditions. Algorithms developed to predict the effect of missense changes on protein structure and function (SIFT, PolyPhen-2, Align-GVGD) all suggest that this variant is likely to be tolerated. In summary, the available evidence is currently insufficient to determine the role of this variant in disease. Therefore, it has been classified as a Variant of Uncertain Significance.